The following is an entry in ClinVar:

ClinVar aggregate classification (germline): Conflicting classifications of pathogenicity. Review status: criteria provided, conflicting classifications (1 of 4 stars). 6 submissions from 4 submitters: Uncertain significance (1); Benign (2); Likely benign (3). Last evaluated 2025-04-17.

Conditions:
Pseudohypoaldosteronism, type IB1, autosomal recessive. Also called: Pseudohypoaldosteronism, Type I, Recessive; PHA I, AUTOSOMAL RECESSIVE; Autosomal recessive pseudohypoaldosteronism type 1; Pseudohypoaldosteronism, Type I, Autosomal Recessive. Identifiers: Orphanet 171876, Orphanet 756, MedGen C5774176, MONDO:0009917, OMIM 264350.
Liddle syndrome 1 (LIDLS1). Also called: PSEUDOALDOSTERONISM. Identifiers: Orphanet 526, MedGen CN031472, MONDO:0020607, OMIM 177200.
Bronchiectasis with or without elevated sweat chloride 1 (BESC1). Also called: Cystic Fibrosis-Like Syndrome. Identifiers: Orphanet 60033, MedGen C2749757, MONDO:0008887, OMIM 211400.

Allele frequency attached by ClinVar (database versions not stated): gnomAD 0.00007 and 0.00023; gnomAD exomes 0.00009 and 0.00014; ExAC 0.00012; 1000 Genomes Project 30x 0.00031; TOPMed 0.00039; 1000 Genomes Project 0.00040.
gnomAD v4.1: 182 of 1,614,174 alleles (0.011%); highest among the groups gnomAD compares: Middle Eastern, 0.2%; no homozygotes.

Submissions (6):

Labcorp Genetics (formerly Invitae), Labcorp
Classification: Likely benign. Last evaluated: 2025-04-17. Review status: criteria provided, single submitter. Criteria: Invitae Variant Classification Sherloc (09022015). Collection method: clinical testing. Allele origin: germline.

Blueprint Genetics
Classification: Likely benign. Last evaluated: 2024-09-20. Review status: criteria provided, single submitter. Criteria: ACMG Guidelines, 2015. Collection method: clinical testing. Allele origin: germline.

CeGaT Center for Human Genetics Tuebingen
Classification: Likely benign. Last evaluated: 2022-03-01. Review status: criteria provided, single submitter. Criteria: CeGaT Center For Human Genetics Tuebingen Variant Classification Criteria Version 2. Collection method: clinical testing. Allele origin: germline. Affected: yes. Observed: 1 variant allele.
Comment: SCNN1B: BP4, BP7

Illumina Laboratory Services, Illumina
Classification: Uncertain significance for Pseudohypoaldosteronism, type IB1, autosomal recessive. Last evaluated: 2018-01-13. Review status: criteria provided, single submitter. Criteria: ICSL Variant Classification Criteria 13 December 2019. Collection method: clinical testing. Allele origin: germline.

Illumina Laboratory Services, Illumina
Classification: Benign for Bronchiectasis with or without elevated sweat chloride 1. Last evaluated: 2018-01-13. Review status: criteria provided, single submitter. Criteria: ICSL Variant Classification Criteria 13 December 2019. Collection method: clinical testing. Allele origin: germline.
Comment: This variant was observed in the ICSL laboratory as part of a predisposition screen in an ostensibly healthy population. It had not been previously curated by ICSL or reported in the Human Gene Mutation Database (HGMD: prior to June 1st, 2018), and was therefore a candidate for classification through an automated scoring system. Utilizing variant allele frequency, disease prevalence and penetrance estimates, and inheritance mode, an automated score was calculated to assess if this variant is too frequent to cause the disease. Based on the score and internal cut-off values, a variant classified as benign is not then subjected to further curation. The score for this variant resulted in a classification of benign for this disease.

Illumina Laboratory Services, Illumina
Classification: Benign for Liddle syndrome 1. Last evaluated: 2018-01-13. Review status: criteria provided, single submitter. Criteria: ICSL Variant Classification Criteria 13 December 2019. Collection method: clinical testing. Allele origin: germline.
Comment: the same text as in the submission from Illumina Laboratory Services, Illumina above.

NM_000336.3(SCNN1B):c.1686A>G (p.Leu562=)

Gene: SCNN1B (sodium channel epithelial 1 subunit beta; plus strand). Cytogenetic location: 16p12.2.
Variant type: single nucleotide variant.
Coding change: c.1686A>G on transcript NM_000336.3 (MANE Select); coding-DNA position 1686, A replaced by G.
Protein change: p.Leu562=; no amino-acid change (leucine 562 retained).
Molecular consequence: synonymous variant.
Genome position (GRCh38, 1-based): chr16:23,380,564, A>G. VCF-style: chr16-23380564-A-G. GRCh37 (hg19) VCF-style: chr16-23391885-A-G.
Identifiers: ClinVar variation 318442 (VCV000318442.34), dbSNP rs541449814, ClinGen allele CA7960606.
Genomic context (GRCh38, chr16:23,380,564, plus strand): 5'-GATCATCATCGACTTTGTGTGGATCACCATCATCAAGCTGGTGGCCTTGGCCAAGAGCCT[A>G]CGGCAGCGGCGAGCCCAAGCCAGCTACGCTGGCCCACCGCCCACCGTGGCCGAGCTGGTG-3'
Protein context (NP_000327.2, residues 552-572): IIKLVALAKS[Leu562=]RQRRAQASYA